The following is an entry in ClinVar:

NM_019042.5(PUS7):c.303del (p.Phe101fs)

Gene: PUS7 (pseudouridine synthase 7; minus strand). Cytogenetic location: 7q22.3.
Variant type: Deletion.
Coding change: c.303del on transcript NM_019042.5 (MANE Select); coding-DNA position 303, one base deleted (T; older notation c.303delT).
Protein change: p.Phe101fs; shifts the reading frame from phenylalanine 101.
Molecular consequence: frameshift variant.
Genome position (GRCh38, 1-based): chr7:105,508,210, A deleted on the plus strand (T on the coding strand, the reverse complement: PUS7 is on the minus strand); the first of 4 consecutive A bases (chr7:105,508,210-105,508,213); deleting any one gives the same sequence. VCF-style (leftmost placement, unchanged base first): chr7-105508209-CA-C. GRCh37 (hg19) VCF-style: chr7-105148656-CA-C.
Other names: c.303del, p.Phe101fs (NM_001318163.1, NM_001318164.2); short protein forms F101fs.
Identifiers: ClinVar variation 2431821 (VCV002431821.1), dbSNP rs1456834829, ClinGen allele CA2578984162.
Genomic context (GRCh38, chr7:105,508,209, plus strand): 5'-AACTCACAAACTTGGTGATGCCTACGTCAGCCTCAGTGAGTCCATGCTTCATCATGTCTG[CA>C]AAACTCTCTGATTCCTCCTCCTCGCACTCCTCTGAAAGTCCATCTTCCTCCTCTTCTTCC-3'

ClinVar aggregate classification (germline): Likely pathogenic (1 of 4 stars; one submission).

Conditions:
Intellectual developmental disorder with abnormal behavior, microcephaly, and short stature. Identifiers: MedGen C5193039, MONDO:0032687, OMIM 618342.

Submission:

Laboratorio de Genetica e Diagnostico Molecular, Hospital Israelita Albert Einstein
Classification: Likely pathogenic for Intellectual developmental disorder with abnormal behavior, microcephaly, and short stature. Last evaluated: 2022-10-28. Review status: criteria provided, single submitter. Criteria: ACMG Guidelines, 2015. Collection method: clinical testing. Allele origin: germline. Affected: yes. Observed: 1 variant allele.
Comment: ACMG classification criteria: PVS1 very strong, PM2 moderated